The following is an entry in ClinVar:

ClinVar aggregate classification (germline): Likely benign. Review status: criteria provided, multiple submitters, no conflicts (2 of 4 stars). 3 submissions from 3 submitters: Likely benign (3). Last evaluated 2025-12-20.

Conditions:
RASopathy. Also called: rasopathies; Noonan spectrum disorder. Identifiers: Orphanet 536391, MedGen C5555857, MONDO:0021060.
Cardiovascular phenotype. Identifiers: MedGen CN230736.

Allele frequency attached by ClinVar (database versions not stated): gnomAD 0.00001; TOPMed 0.00001.
gnomAD v4.1: 9 of 1,613,946 alleles (0.00056%); highest among the groups gnomAD compares: Non-Finnish European, 0.00068%; no homozygotes.

Submissions (3):

Labcorp Genetics (formerly Invitae), Labcorp
Classification: Likely benign for RASopathy. Last evaluated: 2025-12-20. Review status: criteria provided, single submitter. Criteria: Invitae Variant Classification Sherloc (09022015). Collection method: clinical testing. Allele origin: germline.

Ambry Genetics
Classification: Likely benign for Cardiovascular phenotype. Last evaluated: 2025-01-09. Review status: criteria provided, single submitter. Criteria: Ambry Variant Classification Scheme 2023. Collection method: clinical testing. Allele origin: germline.

Laboratory for Molecular Medicine, Mass General Brigham Personalized Medicine
Classification: Likely benign. Last evaluated: 2013-11-12. Review status: criteria provided, single submitter. Criteria: LMM Criteria. Collection method: clinical testing. Allele origin: germline. Observed: 1 variant allele.
Comment: Phe174Phe in exon 3 of CBL: This variant is not expected to have clinical signif icance because it does not alter an amino acid residue and is not located within the splice consensus sequence.

NM_005188.4(CBL):c.522T>C (p.Phe174=)

Gene: CBL (Cbl proto-oncogene; plus strand). Cytogenetic location: 11q23.3.
Variant type: single nucleotide variant.
Coding change: c.522T>C on transcript NM_005188.4 (MANE Select); coding-DNA position 522, T replaced by C.
Protein change: p.Phe174=; no amino-acid change (phenylalanine 174 retained).
Molecular consequence: synonymous variant.
Genome position (GRCh38, 1-based): chr11:119,271,813, T>C. VCF-style: chr11-119271813-T-C. GRCh37 (hg19) VCF-style: chr11-119142523-T-C.
Identifiers: ClinVar variation 162829 (VCV000162829.12), dbSNP rs727502912, ClinGen allele CA175396.